The following is an entry in ClinVar:

NM_015474.4(SAMHD1):c.1747-855_1747-843del

Genes: SAMHD1 (SAM and HD domain containing deoxynucleoside triphosphate triphosphohydrolase 1; minus strand), TLDC2 (TBC/LysM-associated domain containing 2; plus strand). Cytogenetic location: 20q11.23.
Variant type: Deletion.
Coding change: c.1747-855_1747-843del on transcript NM_015474.4 (MANE Select); 855 bases into the intron before coding-DNA position 1747 through 843 bases into the intron before coding-DNA position 1747, 13 bases deleted (CAGAGCCTCCCAC).
Molecular consequence: intron variant. On other transcripts: 3 prime UTR variant (2), frameshift variant (1).
Genome position (GRCh38, 1-based): chr20:36,893,909-36,893,921, GTGGGAGGCTCTG deleted on the plus strand (CAGAGCCTCCCAC on the coding strand, the reverse complement: SAMHD1 is on the minus strand); deleting any 13 consecutive bases within chr20:36,893,909-36,893,928 gives the same sequence; the c. name uses the placement nearest the transcript's 3' end. VCF-style (leftmost placement, unchanged base first): chr20-36893908-AGTGGGAGGCTCTG-A. GRCh37 (hg19) VCF-style: chr20-35522311-AGTGGGAGGCTCTG-A.
Other names: c.*1072_*1084del (NM_001304783.1, NM_080628.3); c.1755_1767del, p.Arg586fs (NM_001363733.2); c.1642-855_1642-843del (NM_001363729.2); short protein forms R586fs.
Identifiers: ClinVar variation 3048466 (VCV003048466.2), dbSNP rs533937762, ClinGen allele CA314278402.

ClinVar aggregate classification (germline): Likely benign (0 of 4 stars; one submission).

Conditions:
SAMHD1-related disorder. Also called: SAMHD1-related condition.

Submission:

PreventionGenetics, part of Exact Sciences
Classification: Likely benign for SAMHD1-related condition. Last evaluated: 2023-10-04. Review status: no assertion criteria provided. Collection method: clinical testing. Allele origin: germline.
Comment: This variant is classified as likely benign based on ACMG/AMP sequence variant interpretation guidelines (Richards et al. 2015 PMID: 25741868, with internal and published modifications).